The following is an entry in ClinVar:

NM_000090.4(COL3A1):c.3020C>G (p.Ala1007Gly)

Gene: COL3A1 (collagen type III alpha 1 chain; plus strand). Cytogenetic location: 2q32.2.
Variant type: single nucleotide variant.
Coding change: c.3020C>G on transcript NM_000090.4 (MANE Select); coding-DNA position 3020, C replaced by G.
Protein change: p.Ala1007Gly; replaces alanine 1007 with glycine.
Molecular consequence: missense variant.
Genome position (GRCh38, 1-based): chr2:189,005,438, C>G. VCF-style: chr2-189005438-C-G. GRCh37 (hg19) VCF-style: chr2-189870164-C-G.
Other names: short protein forms A1007G.
Identifiers: ClinVar variation 4882039 (VCV004882039.2).

ClinVar aggregate classification (germline): Uncertain significance (1 of 4 stars; one submission).

Submission:

Dasa
Classification: Uncertain significance. Last evaluated: 2025-08-28. Review status: criteria provided, single submitter. Criteria: DASA Assertion Criteria. Collection method: clinical testing. Allele origin: germline.
Comment: NM_000090.4(COL3A1):c.3020C>G (p.Ala1007Gly) is a missense variant that results in the substitution of alanine with glycine. This variant is absent from population databases. The currently available literature and clinical evidence are not sufficient to establish a definitive association between this variant and the reported condition. Therefore, this variant is classified as a variant of uncertain significance.